The following is an entry in ClinVar:

NM_018051.5(DYNC2I1):c.2855C>T (p.Thr952Met)

Gene: DYNC2I1 (dynein 2 intermediate chain 1; plus strand). Cytogenetic location: 7q36.3.
Variant type: single nucleotide variant.
Coding change: c.2855C>T on transcript NM_018051.5 (MANE Select); coding-DNA position 2855, C replaced by T.
Protein change: p.Thr952Met; replaces threonine 952 with methionine.
Molecular consequence: missense variant.
Genome position (GRCh38, 1-based): chr7:158,942,001, C>T. VCF-style: chr7-158942001-C-T. GRCh37 (hg19) VCF-style: chr7-158734692-C-T.
Other names: c.2717C>T, p.Thr906Met (NM_001350914.2); c.2282C>T, p.Thr761Met (NM_001350915.2); c.1394C>T, p.Thr465Met (NM_001350916.2); c.1607C>T, p.Thr536Met (NM_001350917.2, NM_001350918.2); short protein forms T536M, T906M, T761M, T952M, T465M.
Identifiers: ClinVar variation 3636932 (VCV003636932.1).

ClinVar aggregate classification (germline): Uncertain significance (1 of 4 stars; one submission).

Conditions:
Short-rib thoracic dysplasia 8 with or without polydactyly (SRTD8). Also called: SHORT-RIB THORACIC DYSPLASIA 8 WITH POLYDACTYLY. Identifiers: Orphanet 93271, MedGen C3809691, MONDO:0014214, OMIM 615503.

gnomAD v4.1: 46 of 1,613,494 alleles (0.0029%); highest among the groups gnomAD compares: African/African-American, 0.004%; no homozygotes.

Submission:

Labcorp Genetics (formerly Invitae), Labcorp
Classification: Uncertain significance for Short-rib thoracic dysplasia 8 with or without polydactyly. Last evaluated: 2025-01-12. Review status: criteria provided, single submitter. Criteria: Invitae Variant Classification Sherloc (09022015). Collection method: clinical testing. Allele origin: germline.
Comment: This sequence change replaces threonine, which is neutral and polar, with methionine, which is neutral and non-polar, at codon 952 of the WDR60 protein (p.Thr952Met). This variant is present in population databases (rs565078606, gnomAD 0.003%). This variant has not been reported in the literature in individuals affected with WDR60-related conditions. An algorithm developed to predict the effect of missense changes on protein structure and function (PolyPhen-2) suggests that this variant is likely to be disruptive. In summary, the available evidence is currently insufficient to determine the role of this variant in disease. Therefore, it has been classified as a Variant of Uncertain Significance.